The following is an entry in ClinVar:

NM_001244008.2(KIF1A):c.961G>A (p.Gly321Ser)

Gene: KIF1A (kinesin family member 1A; minus strand). Cytogenetic location: 2q37.3.
Variant type: single nucleotide variant.
Coding change: c.961G>A on transcript NM_001244008.2 (MANE Select); coding-DNA position 961, G replaced by A.
Protein change: p.Gly321Ser; replaces glycine 321 with serine.
Molecular consequence: missense variant.
Genome position (GRCh38, 1-based): chr2:240,774,259, C>T on the plus strand (G>A on the coding strand, the complement: KIF1A is on the minus strand). VCF-style: chr2-240774259-C-T. GRCh37 (hg19) VCF-style: chr2-241713676-C-T.
Other names: c.961G>A, p.Gly321Ser (NM_001320705.2, NM_001330289.2, NM_001330290.2 and 21 more transcripts); short protein forms G321S.
Identifiers: ClinVar variation 2005626 (VCV002005626.5), dbSNP rs2537958110, ClinGen allele CA351297017.

ClinVar aggregate classification (germline): Conflicting classifications of pathogenicity. Review status: criteria provided, conflicting classifications (1 of 4 stars). 2 submissions from 2 submitters: Likely pathogenic (1); Uncertain significance (1). Last evaluated 2025-03-31.

Conditions:
Hereditary spastic paraplegia 30. Identifiers: Orphanet 101010, MedGen C5235139, MONDO:0012476.
Neuropathy, hereditary sensory, type 2C. Also called: Hereditary sensory and autonomic neuropathy type IIC; KIF1A-Related HSAN2 (HSAN2C). Identifiers: Orphanet 970, MedGen C3280168, MONDO:0013634, OMIM 614213.
Intellectual disability, autosomal dominant 9 (NESCAVS). Also called: NESCAV SYNDROME; KIF1A-Related Neurodevelopmental Disorder. Identifiers: Orphanet 662367, MedGen C5393830, MONDO:0013656, OMIM 614255.

Submissions (2):

Labcorp Genetics (formerly Invitae), Labcorp
Classification: Uncertain significance for Hereditary spastic paraplegia 30; Neuropathy, hereditary sensory, type 2C; Intellectual disability, autosomal dominant 9. Last evaluated: 2025-03-31. Review status: criteria provided, single submitter. Criteria: Invitae Variant Classification Sherloc (09022015). Collection method: clinical testing. Allele origin: germline.
Comment: This sequence change replaces glycine, which is neutral and non-polar, with serine, which is neutral and polar, at codon 321 of the KIF1A protein (p.Gly321Ser). This variant is not present in population databases (gnomAD no frequency). This missense change has been observed in individual(s) with spastic paraplegia (PMID: 34234304). ClinVar contains an entry for this variant (Variation ID: 2005626). An algorithm developed to predict the effect of missense changes on protein structure and function (PolyPhen-2) suggests that this variant is likely to be disruptive. This variant disrupts the p.Gly321 amino acid residue in KIF1A. Other variant(s) that disrupt this residue have been observed in individuals with KIF1A-related conditions (PMID: 30778698, 36155026), which suggests that this may be a clinically significant amino acid residue. In summary, the available evidence is currently insufficient to determine the role of this variant in disease. Therefore, it has been classified as a Variant of Uncertain Significance.

Human Genetics Bochum, Ruhr University Bochum
Classification: Likely pathogenic for Spastic paraplegia 30A, autosomal dominant. Last evaluated: 2024-01-09. Review status: criteria provided, single submitter. Criteria: ACMG Guidelines, 2015. Collection method: clinical testing. Allele origin: germline. Affected: yes.
Comment: ACMG criteria used to clasify this variant: PP3_MOD, PS4_SUP, PM1_SUP, PM2_SUP, PM5_SUP

Literature cited by the submitters: PubMed 34234304 (cited by Labcorp Genetics (formerly Invitae), Labcorp and Human Genetics Bochum, Ruhr University Bochum); PubMed 30778698 (cited by Labcorp Genetics (formerly Invitae), Labcorp and Human Genetics Bochum, Ruhr University Bochum); PubMed 36155026 (cited by Labcorp Genetics (formerly Invitae), Labcorp).